The following is an entry in ClinVar:

ClinVar aggregate classification (germline): Pathogenic. Review status: criteria provided, multiple submitters, no conflicts (2 of 4 stars). 2 submissions from 2 submitters: Pathogenic (2). Last evaluated 2025-10-10.

Conditions:
Developmental and epileptic encephalopathy, 9 (DEE9). Also called: EPILEPSY, FEMALE-RESTRICTED, WITH MENTAL RETARDATION; Early infantile epileptic encephalopathy 9; JUBERG-HELLMAN SYNDROME; PCDH19-Related X-Linked Female-Limited Epilepsy with Mental Retardation. Identifiers: Orphanet 101039, Orphanet 2076, MedGen C1848137, MONDO:0010246, OMIM 300088. Disease mechanism: loss of function.

Submissions (2):

Labcorp Genetics (formerly Invitae), Labcorp
Classification: Pathogenic for Developmental and epileptic encephalopathy, 9. Last evaluated: 2025-10-10. Review status: criteria provided, single submitter. Criteria: Invitae Variant Classification Sherloc (09022015). Collection method: clinical testing. Allele origin: germline.
Comment: This sequence change creates a premature translational stop signal (p.Glu267*) in the PCDH19 gene. It is expected to result in an absent or disrupted protein product. Loss-of-function variants in PCDH19 are known to be pathogenic (PMID: 21053371). This variant is not present in population databases (gnomAD no frequency). This premature translational stop signal has been observed in individual(s) with PCDH19-related conditions (PMID: 28669061). ClinVar contains an entry for this variant (Variation ID: 393037). For these reasons, this variant has been classified as Pathogenic.

GeneDx
Classification: Pathogenic. Last evaluated: 2017-01-27. Review status: criteria provided, single submitter. Criteria: GeneDx Variant Classification (06012015). Collection method: clinical testing. Allele origin: germline. Affected: yes.
Comment: The E267X nonsense variant in the PCDH19 gene is predicted to cause loss of normal protein function either through protein truncation or nonsense-mediated mRNA decay. The E267X variant is not observed in large population cohorts (Lek et al., 2016; 1000 Genomes Consortium et al., 2015; Exome Variant Server).

Literature cited by the submitters: PubMed 21053371 (cited by Labcorp Genetics (formerly Invitae), Labcorp); PubMed 28669061 (cited by Labcorp Genetics (formerly Invitae), Labcorp).

NM_001184880.2(PCDH19):c.799G>T (p.Glu267Ter)

Gene: PCDH19 (protocadherin 19; minus strand). Cytogenetic location: Xq22.1.
Variant type: single nucleotide variant.
Coding change: c.799G>T on transcript NM_001184880.2 (MANE Select); coding-DNA position 799, G replaced by T.
Protein change: p.Glu267Ter; replaces glutamic acid 267 with a stop codon.
Molecular consequence: nonsense.
Genome position (GRCh38, 1-based): chrX:100,407,799, C>A on the plus strand (G>T on the coding strand, the complement: PCDH19 is on the minus strand). VCF-style: chrX-100407799-C-A. GRCh37 (hg19) VCF-style: chrX-99662797-C-A.
Other names: c.799G>T, p.Glu267Ter (NM_001105243.2, NM_020766.3); short protein forms E267*.
Identifiers: ClinVar variation 393037 (VCV000393037.7), dbSNP rs1057524751, ClinGen allele CA16608690.